The following is an entry in ClinVar:

NM_024721.5(ZFHX4):c.10623C>G (p.Pro3541=)

Gene: ZFHX4 (zinc finger homeobox 4; plus strand). Cytogenetic location: 8q21.13.
Variant type: single nucleotide variant.
Coding change: c.10623C>G on transcript NM_024721.5 (MANE Select); coding-DNA position 10623, C replaced by G.
Protein change: p.Pro3541=; no amino-acid change (proline 3541 retained).
Molecular consequence: synonymous variant.
Genome position (GRCh38, 1-based): chr8:76,864,337, C>G. VCF-style: chr8-76864337-C-G. GRCh37 (hg19) VCF-style: chr8-77776573-C-G.
Other names: c.10545C>G, p.Pro3515= (NM_001410934.1).
Identifiers: ClinVar variation 3045184 (VCV003045184.2), dbSNP rs188120644, ClinGen allele CA4788568.
Genomic context (GRCh38, chr8:76,864,337, plus strand): 5'-CTCCATGAAGTCCTGGCCTAATATCCTTTTCCAAGCGTCTGCCAGGAGAGCTGCTTCTCC[C>G]CCTTCTTCTCCTCCTTCCCTTTCCTTGCCTTCAACGGTTACCTCAAGTTTGTGCAGCACC-3'
Protein context (NP_078997.4, residues 3531-3551): FQASARRAAS[Pro3541=]PSSPPSLSLP

ClinVar aggregate classification (germline): Likely benign (0 of 4 stars; one submission).

Conditions:
ZFHX4-related disorder. Also called: ZFHX4-related condition.

Allele frequency attached by ClinVar (database versions not stated): gnomAD exomes 0.00007; ExAC 0.00027; 1000 Genomes Project 30x 0.00047; 1000 Genomes Project 0.00060; gnomAD 0.00069; TOPMed 0.00087; ESP Exome Variant Server 0.00133.
gnomAD v4.1: 209 of 1,613,814 alleles (0.013%); highest among the groups gnomAD compares: African/African-American, 0.26%; 1 homozygote.

Submission:

PreventionGenetics, part of Exact Sciences
Classification: Likely benign for ZFHX4-related condition. Last evaluated: 2019-10-28. Review status: no assertion criteria provided. Collection method: clinical testing. Allele origin: germline.
Comment: This variant is classified as likely benign based on ACMG/AMP sequence variant interpretation guidelines (Richards et al. 2015 PMID: 25741868, with internal and published modifications).